The following is an entry in ClinVar:

NM_022552.5(DNMT3A):c.2337G>A (p.Met779Ile)

Gene: DNMT3A (DNA methyltransferase 3 alpha; minus strand). Cytogenetic location: 2p23.3.
Variant type: single nucleotide variant.
Coding change: c.2337G>A on transcript NM_022552.5 (MANE Select); coding-DNA position 2337, G replaced by A.
Protein change: p.Met779Ile; replaces methionine 779 with isoleucine.
Molecular consequence: missense variant. On other transcripts: non-coding transcript variant (1).
Genome position (GRCh38, 1-based): chr2:25,239,201, C>T on the plus strand (G>A on the coding strand, the complement: DNMT3A is on the minus strand). VCF-style: chr2-25239201-C-T. GRCh37 (hg19) VCF-style: chr2-25462070-C-T.
Other names: c.1881G>A, p.Met627Ile (NM_001320893.1); c.1668G>A, p.Met556Ile (NM_001375819.1); c.1770G>A, p.Met590Ile (NM_153759.3); c.2337G>A, p.Met779Ile (NM_175629.2); short protein forms M556I, M590I, M627I, M779I.
Identifiers: ClinVar variation 1699841 (VCV001699841.2), dbSNP rs2149267652, ClinGen allele CA346069566.

ClinVar aggregate classification (germline): Uncertain significance (1 of 4 stars; one submission).

gnomAD v4.1: 3 of 1,613,972 alleles (0.00019%); highest among the groups gnomAD compares: Non-Finnish European, 0.00025%; no homozygotes.

Submission:

GeneDx
Classification: Uncertain significance. Last evaluated: 2022-01-28. Review status: criteria provided, single submitter. Criteria: GeneDx Variant Classification Process June 2021. Collection method: clinical testing. Allele origin: germline. Affected: yes.
Comment: Not observed at significant frequency in large population cohorts (gnomAD); In silico analysis supports that this missense variant has a deleterious effect on protein structure/function; Has not been previously published as pathogenic or benign to our knowledge